The following is an entry in ClinVar:

NM_000466.3(PEX1):c.1579A>G (p.Thr527Ala)

Gene: PEX1 (peroxisomal biogenesis factor 1; minus strand). Cytogenetic location: 7q21.2.
Variant type: single nucleotide variant.
Coding change: c.1579A>G on transcript NM_000466.3 (MANE Select); coding-DNA position 1579, A replaced by G.
Protein change: p.Thr527Ala; replaces threonine 527 with alanine.
Molecular consequence: missense variant.
Genome position (GRCh38, 1-based): chr7:92,510,952, T>C on the plus strand (A>G on the coding strand, the complement: PEX1 is on the minus strand). VCF-style: chr7-92510952-T-C. GRCh37 (hg19) VCF-style: chr7-92140266-T-C.
Other names: c.1579A>G, p.Thr527Ala (NM_001282677.2); c.955A>G, p.Thr319Ala (NM_001282678.2); short protein forms T527A, T319A.
Identifiers: ClinVar variation 493456 (VCV000493456.81), dbSNP rs144942544, ClinGen allele CA4341372.
Genomic context (GRCh38, chr7:92,510,952, plus strand): 5'-AATCATATGTAACAAATAGTATTTTATTAAATATTCAATAACATGCTATTACTTGTATTG[T>C]AGTCTTCTGCAGCAAATTGGGACTCAACAGAAAAATATTTTTATCTTTTTCTTTTTCCCA-3'
Protein context (NP_000457.1, residues 517-537): LLSPNLLQKT[Thr527Ala]IQVLLDPMVK

ClinVar aggregate classification (germline): Conflicting classifications of pathogenicity. Review status: criteria provided, conflicting classifications (1 of 4 stars). 19 submissions from 17 submitters: Uncertain significance (2); Likely benign (10). 7 of the submissions do not count toward it. Last evaluated 2026-08-01.

Conditions:
Peroxisome biogenesis disorder 1A (Zellweger) (PBD1A). Also called: Zellweger leukodystrophy; Peroxisome biogenesis disorder 1a. Identifiers: MedGen C4721541, MONDO:0008953, OMIM 214100.
PEX1-related disorder. Also called: PEX1-related condition.
Peroxisome biogenesis disorder 1B (PBD1B). Also called: PEROXISOME BIOGENESIS DISORDER (NALD/IRD); PEROXISOME BIOGENESIS DISORDER (NEONATAL ADRENOLEUKODYSTROPHY/INFANTILE REFSUM DISEASE); INFANTILE PHYTANIC ACID STORAGE DISEASE; Refsum disease, infantile form; ADRENOLEUKODYSTROPHY, AUTOSOMAL NEONATAL; Infantile Refsum disease. Identifiers: Orphanet 44, MedGen C0282527, MONDO:0011101, OMIM 601539.
Zellweger spectrum disorders (ZS). Also called: Zellweger Spectrum Disorder; Zellweger Spectrum; Zellweger Spectrum Disorder (ZSD); Zellweger syndrome. Identifiers: Orphanet 912, MedGen C0043459, MONDO:0019609.
Heimler syndrome 1 (HMLR1). Also called: PEROXISOME BIOGENESIS DISORDER 1C. Identifiers: Orphanet 3220, MedGen C4551980, OMIM 234580, MONDO:0024544.

Allele frequency attached by ClinVar (database versions not stated): 1000 Genomes Project 30x 0.00094; 1000 Genomes Project 0.00100; gnomAD 0.00201 and 0.00217; gnomAD exomes 0.00206 and 0.00249; ExAC 0.00209; TOPMed 0.00240; ESP Exome Variant Server 0.00243.
gnomAD v4.1: 3,592 of 1,459,962 alleles (0.25%); highest among the groups gnomAD compares: Middle Eastern, 0.45%; 7 homozygotes.

Submissions (19):

CeGaT Center for Human Genetics Tuebingen
Classification: Likely benign. Last evaluated: 2026-08-01. Review status: criteria provided, single submitter. Criteria: CeGaT Center For Human Genetics Tuebingen Variant Classification Criteria Version 2. Collection method: clinical testing. Allele origin: germline. Affected: yes. Observed: 10 variant alleles.
Comment: PEX1: BS2

Labcorp Genetics (formerly Invitae), Labcorp
Classification: Likely benign for Zellweger spectrum disorders. Last evaluated: 2026-01-31. Review status: criteria provided, single submitter. Criteria: Invitae Variant Classification Sherloc (09022015). Collection method: clinical testing. Allele origin: germline.

ARUP Laboratories, Molecular Genetics and Genomics, ARUP Laboratories
Classification: Likely benign. Last evaluated: 2025-02-12. Review status: criteria provided, single submitter. Criteria: ARUP Molecular Germline Variant Investigation Process 2024. Collection method: clinical testing. Allele origin: germline.

Blueprint Genetics
Classification: Likely benign. Last evaluated: 2024-11-25. Review status: criteria provided, single submitter. Criteria: ACMG Guidelines, 2015. Collection method: clinical testing. Allele origin: germline.

Genome-Nilou Lab
Classification: Likely benign for Heimler syndrome 1. Last evaluated: 2021-07-14. Review status: criteria provided, single submitter. Criteria: ACMG Guidelines, 2015. Collection method: clinical testing. Allele origin: germline. Affected: no.

Genome-Nilou Lab
Classification: Likely benign for Peroxisome biogenesis disorder 1B. Last evaluated: 2021-07-14. Review status: criteria provided, single submitter. Criteria: ACMG Guidelines, 2015. Collection method: clinical testing. Allele origin: germline. Affected: no.

Genome-Nilou Lab
Classification: Likely benign for Peroxisome biogenesis disorder 1A (Zellweger). Last evaluated: 2021-05-18. Review status: criteria provided, single submitter. Criteria: ACMG Guidelines, 2015. Collection method: clinical testing. Allele origin: germline. Affected: no.

Women's Health and Genetics/Laboratory Corporation of America, LabCorp
Classification: Likely benign. Last evaluated: 2019-11-07. Review status: criteria provided, single submitter. Criteria: LabCorp Variant Classification Summary - May 2015. Collection method: clinical testing. Allele origin: germline.
Comment: Variant summary: PEX1 c.1579A>G (p.Thr527Ala) results in a non-conservative amino acid change in the encoded protein sequence. Three of five in-silico tools predict a benign effect of the variant on protein function. The variant allele was found at a frequency of 0.0021 in 248932 control chromosomes (gnomAD). This frequency is not significantly higher than expected for a pathogenic variant in PEX1 causing Zellweger Syndrome (0.0021 vs 0.0039). However, this frequency is significantly higher than the frequency of the most common pathogenic variant in PEX1 (c.2097dupT/p.Ile700TyrfsTer42, 0.00048 in gnomAD), suggesting the variant of interest is unlikely to be pathogenic. c.1579A>G has been reported in the literature in individuals affected with Zellweger Syndrome and retinal dystrophy without specified allele in trans (Ebberink_2010, Watson_2014). These reports do not provide unequivocal conclusions about association of the variant with Zellweger Syndrome. To our knowledge, no experimental evidence demonstrating an impact on protein function has been reported. Three ClinVar submitters (evaluation after 2014) cite the variant as likely benign (1x) and uncertain significance (2x). Based on the evidence outlined above, the variant was classified as likely benign.

Athena Diagnostics
Classification: Likely benign. Last evaluated: 2019-07-10. Review status: criteria provided, single submitter. Criteria: Athena Diagnostics Criteria. Collection method: clinical testing. Allele origin: germline.

Illumina Laboratory Services, Illumina
Classification: Uncertain significance for Peroxisome biogenesis disorder 1A (Zellweger). Last evaluated: 2018-01-13. Review status: criteria provided, single submitter. Criteria: ICSL Variant Classification Criteria 13 December 2019. Collection method: clinical testing. Allele origin: germline.

Eurofins Ntd Llc (ga)
Classification: Likely benign. Last evaluated: 2016-11-15. Review status: criteria provided, single submitter. Criteria: EGL Classification Definitions 2015. Collection method: clinical testing. Allele origin: germline. Observed: 1 variant allele, 1 heterozygote.

Mayo Clinic Laboratories, Mayo Clinic
Classification: Uncertain significance for Peroxisome biogenesis disorder 1B. Last evaluated: 2016-08-21. Review status: criteria provided, single submitter. Criteria: ACMG Guidelines, 2015. Collection method: clinical testing. Allele origin: maternal.

PreventionGenetics, part of Exact Sciences
Classification: Likely benign for PEX1-related condition. Last evaluated: 2021-02-11. Review status: no assertion criteria provided. Collection method: clinical testing. Allele origin: germline. Not counted in ClinVar's aggregate classification.
Comment: This variant is classified as likely benign based on ACMG/AMP sequence variant interpretation guidelines (Richards et al. 2015 PMID: 25741868, with internal and published modifications).

Natera, Inc.
Classification: Likely benign for Zellweger syndrome. Last evaluated: 2017-05-10. Review status: no assertion criteria provided. Collection method: clinical testing. Allele origin: germline. Not counted in ClinVar's aggregate classification.

Clinical Genetics DNA and cytogenetics Diagnostics Lab, Erasmus MC, Erasmus Medical Center
Classification: Likely benign. Review status: no assertion criteria provided. Collection method: clinical testing. Allele origin: germline. Affected: yes. Study: VKGL Data-share Consensus. Not counted in ClinVar's aggregate classification.

Clinical Genetics, Academic Medical Center
Classification: Likely benign. Review status: no assertion criteria provided. Collection method: clinical testing. Allele origin: germline. Affected: yes. Study: VKGL Data-share Consensus. Not counted in ClinVar's aggregate classification.

Department of Pathology and Laboratory Medicine, Sinai Health System
Classification: Uncertain significance. Review status: no assertion criteria provided. Collection method: clinical testing. Allele origin: unknown. Affected: yes. Study: The Canadian Open Genetics Repository (COGR). Not counted in ClinVar's aggregate classification.
Comment: The PEX1 p.Thr527Ala variant was not identified in the literature nor was it identified in Cosmic. The variant was identified in dbSNP (ID: rs144942544), ClinVar (classified as likely benign by EGL Genetic Diagnostics and as a VUS by Mayo Clinic Genetic Testing Laboratories and CeGaT Praxis fuer Humangenetik Tuebingen). The variant was also identified in control databases in 587 of 280334 chromosomes at a frequency of 0.002094 increasing the likelihood this could be a low frequency benign variant (Genome Aggregation Database Feb 27, 2017). The variant was observed in the following populations: European (non-Finnish) in 458 of 128286 chromosomes (freq: 0.00357), Other in 13 of 7140 chromosomes (freq: 0.001821), South Asian in 48 of 30138 chromosomes (freq: 0.001593), Latino in 32 of 35238 chromosomes (freq: 0.000908), European (Finnish) in 19 of 25088 chromosomes (freq: 0.000757) and African in 17 of 24248 chromosomes (freq: 0.000701); it was not observed in the Ashkenazi Jewish, and East Asian populations. The variant occurs outside of the splicing consensus sequence and in silico or computational prediction software programs (SpliceSiteFinder, MaxEntScan, NNSPLICE, GeneSplicer) do not predict a difference in splicing. The p.Thr527 residue is not conserved in mammals and computational analyses (PolyPhen-2, SIFT, AlignGVGD, BLOSUM, MutationTaster) do not suggest a high likelihood of impact to the protein; however, this information is not predictive enough to rule out pathogenicity. In summary, based on the above information the clinical significance of this variant cannot be determined with certainty at this time. This variant is classified as a variant of uncertain significance.

Diagnostic Laboratory, Department of Genetics, University Medical Center Groningen
Classification: Likely benign. Review status: no assertion criteria provided. Collection method: clinical testing. Allele origin: germline. Affected: yes. Study: VKGL Data-share Consensus. Not counted in ClinVar's aggregate classification.

Joint Genome Diagnostic Labs from Nijmegen and Maastricht, Radboudumc and MUMC+
Classification: Likely benign. Review status: no assertion criteria provided. Collection method: clinical testing. Allele origin: germline. Affected: yes. Study: VKGL Data-share Consensus. Not counted in ClinVar's aggregate classification.

Literature cited by the submitters: PubMed 25133751 (cited by Women's Health and Genetics/Laboratory Corporation of America, LabCorp and Athena Diagnostics); PubMed 21031596 (cited by Women's Health and Genetics/Laboratory Corporation of America, LabCorp).